The following is an entry in ClinVar:

NM_002474.3(MYH11):c.5787-4729C>A

Genes: MYH11 (myosin heavy chain 11; minus strand), NDE1 (nudE neurodevelopment protein 1; plus strand). Cytogenetic location: 16p13.11.
Variant type: single nucleotide variant.
Coding change: c.5787-4729C>A on transcript NM_002474.3 (MANE Select); 4729 bases into the intron before coding-DNA position 5787, C replaced by A.
Molecular consequence: intron variant.
Genome position (GRCh38, 1-based): chr16:15,708,852, G>T on the plus strand (C>A on the coding strand, the complement: MYH11 is on the minus strand). VCF-style: chr16-15708852-G-T. GRCh37 (hg19) VCF-style: chr16-15802709-G-T.
Other names: c.947+11992G>T (NM_001143979.2, NM_017668.3); c.5787-11C>A (NM_022844.3); c.5808-4729C>A (NM_001040114.2); c.5808-11C>A (NM_001040113.2).
Identifiers: ClinVar variation 3069843 (VCV003069843.3), dbSNP rs1480390443, ClinGen allele CA621062163.

ClinVar aggregate classification (germline): Conflicting classifications of pathogenicity. Review status: criteria provided, conflicting classifications (1 of 4 stars). 3 submissions from 3 submitters: Uncertain significance (1); Likely benign (2). Last evaluated 2025-12-24.

Conditions:
Aortic aneurysm, familial thoracic 4 (AAT4). Also called: AORTIC ANEURYSM/AORTIC DISSECTION AND PATENT DUCTUS ARTERIOSUS. Identifiers: MedGen C1851504, MONDO:0007568, OMIM 132900.
Familial thoracic aortic aneurysm and aortic dissection (TAAD). Also called: Thoracic aortic aneurysms and dissections. Identifiers: Orphanet 91387, MedGen C4707243, MONDO:0019625.

Allele frequency attached by ClinVar (database versions not stated): gnomAD exomes below 0.00001.
gnomAD v4.1: 3 of 1,607,966 alleles (0.00019%); highest among the groups gnomAD compares: Non-Finnish European, 0.00025%; no homozygotes.

Submissions (3):

Labcorp Genetics (formerly Invitae), Labcorp
Classification: Likely benign for Aortic aneurysm, familial thoracic 4. Last evaluated: 2025-12-24. Review status: criteria provided, single submitter. Criteria: Invitae Variant Classification Sherloc (09022015). Collection method: clinical testing. Allele origin: germline.

Color Diagnostics, LLC DBA Color Health
Classification: Likely benign for Familial thoracic aortic aneurysm and aortic dissection. Last evaluated: 2025-07-09. Review status: criteria provided, single submitter. Criteria: ACMG Guidelines, 2015. Collection method: clinical testing. Allele origin: germline.

All of Us Research Program, National Institutes of Health
Classification: Uncertain significance for Familial thoracic aortic aneurysm and aortic dissection. Last evaluated: 2023-12-01. Review status: criteria provided, single submitter. Criteria: ACMG Guidelines, 2015. Collection method: clinical testing. Allele origin: germline. Inheritance: Autosomal dominant inheritance. Observed: 2 variant alleles, 2 heterozygotes.
Comment: This variant causes a C to A nucleotide substitution at the -11 position of intron 41 of the MYH11 gene. To our knowledge, functional studies have not been reported for this variant. This variant has not been reported in individuals affected with MYH11-related disorders in the literature. This variant has been identified in 2/242368 chromosomes in the general population by the Genome Aggregation Database (gnomAD). The available evidence is insufficient to determine the role of this variant in disease conclusively. Therefore, this variant is classified as a Variant of Uncertain Significance.

This study involves interpretation of variants in research participants for the purpose of population health screening. Participant phenotype was not available at the time of variant classification. Additional details can be found in publication PMID: 35346344, PMCID: PMC8962531